The following is an entry in ClinVar:

NM_007294.4(BRCA1):c.1870G>T (p.Glu624Ter)

Gene: BRCA1 (BRCA1 DNA repair associated; minus strand). Cytogenetic location: 17q21.31.
Variant type: single nucleotide variant.
Coding change: c.1870G>T on transcript NM_007294.4 (MANE Select); coding-DNA position 1870, G replaced by T.
Protein change: p.Glu624Ter; replaces glutamic acid 624 with a stop codon.
Molecular consequence: nonsense. On other transcripts: intron variant (137).
Genome position (GRCh38, 1-based): chr17:43,093,661, C>A on the plus strand (G>T on the coding strand, the complement: BRCA1 is on the minus strand). VCF-style: chr17-43093661-C-A. GRCh37 (hg19) VCF-style: chr17-41245678-C-A.
Other names: c.1537G>T, p.Glu513Ter (NM_001407950.1, NM_001407951.1, NM_001407952.1 and 6 more transcripts); c.1534G>T, p.Glu512Ter (NM_001407954.1, NM_001407955.1, NM_001407956.1 and 1 more transcripts); c.1489G>T, p.Glu497Ter (NM_001407959.1, NM_001407960.1, NM_001407963.1); c.1486G>T, p.Glu496Ter (NM_001407962.1); c.1726G>T, p.Glu576Ter (NM_001407964.1, NM_001407740.1, NM_001407741.1 and 20 more transcripts); c.1366G>T, p.Glu456Ter (NM_001407965.1); c.982G>T, p.Glu328Ter (NM_001407966.1, NM_001407967.1); c.1729G>T, p.Glu577Ter (NM_007297.4, NM_001407692.1, NM_001407694.1 and 29 more transcripts); and 40 more; short protein forms E624*, E577*, E328*, E456*, E512*, E576*, E582*, E597*.
Identifiers: ClinVar variation 54375 (VCV000054375.8), dbSNP rs80356950, ClinGen allele CA001216.
Genomic context (GRCh38, chr17:43,093,661, plus strand): 5'-AACTATCAATTTGCAATTCAGTACAATTAGGTGGGCTTAGATTTCTACTGACTACTAGTT[C>A]AAGCGCATGAATATGCCTGGTAGAAGACTTCCTCCTCAGCCTATTCTTTTTAGGTGCTTT-3'

ClinVar aggregate classification (germline): Pathogenic. Review status: reviewed by expert panel (3 of 4 stars). 5 submissions from 5 submitters: Pathogenic (1). 4 of the submissions do not count toward it. Last evaluated 2016-09-08.

Conditions:
Hereditary cancer-predisposing syndrome. Also called: Tumor predisposition; Neoplastic Syndromes, Hereditary; Hereditary Cancer Syndrome; Hereditary neoplastic syndrome. Identifiers: Orphanet 140162, MedGen C0027672, MeSH D009386, MONDO:0015356.
Breast-ovarian cancer, familial, susceptibility to, 1 (BROVCA1). Also called: OVARIAN CANCER, SUSCEPTIBILITY TO; BRCA1 Hereditary Breast and Ovarian Cancer. Identifiers: Orphanet 145, MedGen C2676676, MONDO:0011450, OMIM 604370. Disease mechanism: loss of function.

Submissions (5):

Evidence-based Network for the Interpretation of Germline Mutant Alleles (ENIGMA)
Classification: Pathogenic for Breast-ovarian cancer, familial, susceptibility to, 1. Last evaluated: 2016-09-08. Review status: reviewed by expert panel. Criteria: ENIGMA BRCA1/2 Classification Criteria (2015). Collection method: curation. Allele origin: germline.
Comment: Variant allele predicted to encode a truncated non-functional protein.

Color Diagnostics, LLC DBA Color Health
Classification: Pathogenic for Hereditary cancer-predisposing syndrome. Last evaluated: 2024-02-20. Review status: criteria provided, single submitter. Criteria: ACMG Guidelines, 2015. Collection method: clinical testing. Allele origin: germline. Not counted in ClinVar's aggregate classification.
Comment: This variant changes 1 nucleotide in exon 10 of the BRCA1 gene, creating a premature translation stop signal. This variant is expected to result in an absent or non-functional protein product. This variant has been identified in 2 families among the CIMBA participants (PMID: 29446198). This variant has not been identified in the general population by the Genome Aggregation Database (gnomAD). Loss of BRCA1 function is a known mechanism of disease. Based on the available evidence, this variant is classified as Pathogenic.

Ambry Genetics
Classification: Pathogenic for Hereditary cancer-predisposing syndrome. Last evaluated: 2021-05-21. Review status: criteria provided, single submitter. Criteria: Ambry Variant Classification Scheme 2023. Collection method: clinical testing. Allele origin: germline. Not counted in ClinVar's aggregate classification.
Comment: The p.E624* pathogenic mutation (also known as c.1870G>T), located in coding exon 9 of the BRCA1 gene, results from a G to T substitution at nucleotide position 1870. This changes the amino acid from a glutamic acid to a stop codon within coding exon 9. This alteration was identified in a large, worldwide study of BRCA1/2 mutation positive families (Rebbeck TR et al. Hum Mutat, 2018 05;39:593-620). In addition to the clinical data presented in the literature, this alteration is expected to result in loss of function by premature protein truncation or nonsense-mediated mRNA decay. As such, this alteration is interpreted as a disease-causing mutation.

Consortium of Investigators of Modifiers of BRCA1/2 (CIMBA), c/o University of Cambridge
Classification: Pathogenic for Breast-ovarian cancer, familial, susceptibility to, 1. Last evaluated: 2015-10-02. Review status: criteria provided, single submitter. Criteria: CIMBA Mutation Classification guidelines May 2016. Collection method: clinical testing. Allele origin: germline. Not counted in ClinVar's aggregate classification.

Breast Cancer Information Core (BIC) (BRCA1)
Classification: Pathogenic for Breast-ovarian cancer, familial 1. Last evaluated: 2002-05-29. Review status: no assertion criteria provided. Collection method: clinical testing. Allele origin: germline. Affected: yes. Observed: 1 variant allele. Not counted in ClinVar's aggregate classification.

Literature cited by the submitters: PubMed 29446198 (cited by Color Diagnostics, LLC DBA Color Health and Ambry Genetics).